The following is an entry in ClinVar:

ClinVar aggregate classification (germline): Pathogenic (1 of 4 stars; one submission).

Conditions:
Familial thoracic aortic aneurysm and aortic dissection (TAAD). Also called: Thoracic aortic aneurysms and dissections. Identifiers: Orphanet 91387, MedGen C4707243, MONDO:0019625.
Marfan syndrome (MFS). Also called: FBN1-Related Marfan Syndrome; Marfan syndrome type 1; Marfan's syndrome; Marfan syndrome, classic; MARFAN SYNDROME, TYPE I. Identifiers: Orphanet 284963, Orphanet 558, MedGen C0024796, MONDO:0007947, OMIM 154700.

Submission:

Labcorp Genetics (formerly Invitae), Labcorp
Classification: Pathogenic for Marfan syndrome; Familial thoracic aortic aneurysm and aortic dissection. Last evaluated: 2018-01-02. Review status: criteria provided, single submitter. Criteria: Invitae Variant Classification Sherloc (09022015). Collection method: clinical testing. Allele origin: germline.
Comment: This sequence change creates a premature translational stop signal (p.Asn2267Thrfs*24) in the FBN1 gene. It is expected to result in an absent or disrupted protein product. This variant is not present in population databases (ExAC no frequency). This variant has not been reported in the literature in individuals with FBN1-related disease. Loss-of-function variants in FBN1 are known to be pathogenic (PMID: 17657824, 19293843). For these reasons, this variant has been classified as Pathogenic.

Literature cited by the submitters: PubMed 17657824; PubMed 19293843.

NM_000138.5(FBN1):c.6800del (p.Asn2267fs)

Gene: FBN1 (fibrillin 1; minus strand). Cytogenetic location: 15q21.1.
Variant type: Deletion.
Coding change: c.6800del on transcript NM_000138.5 (MANE Select); coding-DNA position 6800, one base deleted (A; older notation c.6800delA).
Protein change: p.Asn2267fs; shifts the reading frame from asparagine 2267.
Molecular consequence: frameshift variant.
Genome position (GRCh38, 1-based): chr15:48,430,742, T deleted on the plus strand (A on the coding strand, the reverse complement: FBN1 is on the minus strand); the first of 2 consecutive T bases (chr15:48,430,742-48,430,743); deleting either gives the same sequence. VCF-style (leftmost placement, unchanged base first): chr15-48430741-GT-G. GRCh37 (hg19) VCF-style: chr15-48722938-GT-G.
Other names: c.6800delA (NM_000138.4); short protein forms N2267fs.
Identifiers: ClinVar variation 582882 (VCV000582882.6), dbSNP rs1566894288, ClinGen allele CA891844187.